The following is an entry in ClinVar:

ClinVar aggregate classification (germline): Uncertain significance. Review status: criteria provided, multiple submitters, no conflicts (2 of 4 stars). 2 submissions from 2 submitters: Uncertain significance (2). Last evaluated 2023-08-24.

Conditions:
Neonatal-onset encephalopathy with rigidity and seizures. Also called: Lethal neonatal spasticity-epileptic encephalopathy syndrome. Identifiers: Orphanet 435845, MedGen C3281029, MONDO:0013784, OMIM 614498.

Submissions (2):

Labcorp Genetics (formerly Invitae), Labcorp
Classification: Uncertain significance for Neonatal-onset encephalopathy with rigidity and seizures. Last evaluated: 2023-08-24. Review status: criteria provided, single submitter. Criteria: Invitae Variant Classification Sherloc (09022015). Collection method: clinical testing. Allele origin: germline.
Comment: This sequence change replaces leucine, which is neutral and non-polar, with proline, which is neutral and non-polar, at codon 324 of the BRAT1 protein (p.Leu324Pro). This variant is not present in population databases (gnomAD no frequency). This variant has not been reported in the literature in individuals affected with BRAT1-related conditions. ClinVar contains an entry for this variant (Variation ID: 648698). Advanced modeling of protein sequence and biophysical properties (such as structural, functional, and spatial information, amino acid conservation, physicochemical variation, residue mobility, and thermodynamic stability) performed at Invitae indicates that this missense variant is expected to disrupt BRAT1 protein function. In summary, the available evidence is currently insufficient to determine the role of this variant in disease. Therefore, it has been classified as a Variant of Uncertain Significance.

Blueprint Genetics
Classification: Uncertain significance. Last evaluated: 2021-11-17. Review status: criteria provided, single submitter. Criteria: ACMG Guidelines, 2015. Collection method: clinical testing. Allele origin: germline.

NM_152743.4(BRAT1):c.971T>C (p.Leu324Pro)

Gene: BRAT1 (BRCA1 associated ATM activator 1; minus strand). Cytogenetic location: 7p22.3.
Variant type: single nucleotide variant.
Coding change: c.971T>C on transcript NM_152743.4 (MANE Select); coding-DNA position 971, T replaced by C.
Protein change: p.Leu324Pro; replaces leucine 324 with proline.
Molecular consequence: missense variant. On other transcripts: non-coding transcript variant (1).
Genome position (GRCh38, 1-based): chr7:2,542,164, A>G on the plus strand (T>C on the coding strand, the complement: BRAT1 is on the minus strand). VCF-style: chr7-2542164-A-G. GRCh37 (hg19) VCF-style: chr7-2581798-A-G.
Other names: c.971T>C, p.Leu324Pro (NM_001350626.2); c.446T>C, p.Leu149Pro (NM_001350627.2); short protein forms L324P, L149P.
Identifiers: ClinVar variation 648698 (VCV000648698.9), dbSNP rs1583305154, ClinGen allele CA366630299.